The following is an entry in ClinVar:

NM_000183.3(HADHB):c.346G>T (p.Ala116Ser)

Gene: HADHB (hydroxyacyl-CoA dehydrogenase trifunctional multienzyme complex subunit beta; plus strand). Cytogenetic location: 2p23.3.
Variant type: single nucleotide variant.
Coding change: c.346G>T on transcript NM_000183.3 (MANE Select); coding-DNA position 346, G replaced by T.
Protein change: p.Ala116Ser; replaces alanine 116 with serine.
Molecular consequence: missense variant.
Genome position (GRCh38, 1-based): chr2:26,273,742, G>T. VCF-style: chr2-26273742-G-T. GRCh37 (hg19) VCF-style: chr2-26496610-G-T.
Other names: c.301G>T, p.Ala101Ser (NM_001281512.2); c.280G>T, p.Ala94Ser (NM_001281513.2); short protein forms A101S, A94S, A116S.
Identifiers: ClinVar variation 1379106 (VCV001379106.6), dbSNP rs766228457, ClinGen allele CA1560182.

ClinVar aggregate classification (germline): Uncertain significance (1 of 4 stars; one submission).

Conditions:
Mitochondrial trifunctional protein deficiency. Identifiers: Orphanet 746, MedGen C1969443, MONDO:0012172.

Allele frequency attached by ClinVar (database versions not stated): gnomAD exomes below 0.00001; TOPMed below 0.00001; ExAC 0.00002.
gnomAD v4.1: 6 of 1,560,418 alleles (0.00038%); highest among the groups gnomAD compares: Non-Finnish European, 0.00044%; no homozygotes.

Submission:

Labcorp Genetics (formerly Invitae), Labcorp
Classification: Uncertain significance for Mitochondrial trifunctional protein deficiency. Last evaluated: 2023-09-01. Review status: criteria provided, single submitter. Criteria: Invitae Variant Classification Sherloc (09022015). Collection method: clinical testing. Allele origin: germline.
Comment: In summary, the available evidence is currently insufficient to determine the role of this variant in disease. Therefore, it has been classified as a Variant of Uncertain Significance. Advanced modeling of protein sequence and biophysical properties (such as structural, functional, and spatial information, amino acid conservation, physicochemical variation, residue mobility, and thermodynamic stability) performed at Invitae indicates that this missense variant is not expected to disrupt HADHB protein function. ClinVar contains an entry for this variant (Variation ID: 1379106). This variant has not been reported in the literature in individuals affected with HADHB-related conditions. This variant is present in population databases (rs766228457, gnomAD 0.004%). This sequence change replaces alanine, which is neutral and non-polar, with serine, which is neutral and polar, at codon 116 of the HADHB protein (p.Ala116Ser).